The following is an entry in ClinVar:

ClinVar aggregate classification (germline): Uncertain significance. Review status: criteria provided, multiple submitters, no conflicts (2 of 4 stars). 4 submissions from 4 submitters: Uncertain significance (3). 1 of the submissions does not count toward it. Last evaluated 2023-04-07.

Conditions:
Fanconi anemia (FA). Also called: Fanconi's anemia. Identifiers: Orphanet 84, MedGen C0015625, MeSH D005199, MONDO:0019391.
Hereditary cancer-predisposing syndrome. Also called: Hereditary neoplastic syndrome; Tumor predisposition; Neoplastic Syndromes, Hereditary; Hereditary Cancer Syndrome. Identifiers: Orphanet 140162, MedGen C0027672, MeSH D009386, MONDO:0015356.

Allele frequency attached by ClinVar (database versions not stated): gnomAD exomes below 0.00001.
gnomAD v4.1: 2 of 1,611,764 alleles (0.00012%); highest among the groups gnomAD compares: Non-Finnish European, 0.00017%; no homozygotes.

Submissions (4):

Labcorp Genetics (formerly Invitae), Labcorp
Classification: Uncertain significance for Fanconi anemia. Last evaluated: 2023-04-07. Review status: criteria provided, single submitter. Criteria: Invitae Variant Classification Sherloc (09022015). Collection method: clinical testing. Allele origin: germline.
Comment: In summary, the available evidence is currently insufficient to determine the role of this variant in disease. Therefore, it has been classified as a Variant of Uncertain Significance. Advanced modeling of protein sequence and biophysical properties (such as structural, functional, and spatial information, amino acid conservation, physicochemical variation, residue mobility, and thermodynamic stability) performed at Invitae indicates that this missense variant is expected to disrupt FANCC protein function. ClinVar contains an entry for this variant (Variation ID: 419045). This variant has not been reported in the literature in individuals affected with FANCC-related conditions. This variant is not present in population databases (gnomAD no frequency). This sequence change replaces proline, which is neutral and non-polar, with histidine, which is basic and polar, at codon 142 of the FANCC protein (p.Pro142His).

Ambry Genetics
Classification: Uncertain significance for Hereditary cancer-predisposing syndrome. Last evaluated: 2023-03-23. Review status: criteria provided, single submitter. Criteria: Ambry Variant Classification Scheme 2023. Collection method: clinical testing. Allele origin: germline.
Comment: The p.P142H variant (also known as c.425C>A), located in coding exon 4 of the FANCC gene, results from a C to A substitution at nucleotide position 425. The proline at codon 142 is replaced by histidine, an amino acid with similar properties. This amino acid position is conserved. In addition, this alteration is predicted to be tolerated by in silico analysis. Since supporting evidence is limited at this time, the clinical significance of this alteration remains unclear.

GeneDx
Classification: Uncertain significance. Last evaluated: 2015-05-15. Review status: criteria provided, single submitter. Criteria: GeneDx Variant Classification (06012015). Collection method: clinical testing. Allele origin: germline. Affected: yes.
Comment: This variant is denoted FANCC c.425C>A at the cDNA level, p.Pro142His (P142H) at the protein level, and results in the change of a Proline to a Histidine (CCT>CAT). This variant has not, to our knowledge, been published in the literature as pathogenic or benign. FANCC Pro142His was not observed in approximately 6,500 individuals of European and African American ancestry in the NHLBI Exome Sequencing Project, indicating it is not a common benign variant in these populations. Since Proline and Histidine differ in polarity, charge, size or other properties, this is considered a non-conservative amino acid substitution. FANCC Pro142His occurs at a position that is not conserved and is located in a region required for interaction with RED, FAZF, HSP70,and GRP94 (Gordon 2003). In silico analyses are inconsistent regarding the effect this variant may have on protein structure and function. Based on currently available information, it is unclear whether FANCC Pro142His is pathogenic or benign. We consider it to be a variant of uncertain significance.

Natera, Inc.
Classification: Uncertain significance for Fanconi anemia. Last evaluated: 2021-09-30. Review status: no assertion criteria provided. Collection method: clinical testing. Allele origin: germline. Not counted in ClinVar's aggregate classification.

NM_000136.3(FANCC):c.425C>A (p.Pro142His)

Gene: FANCC (FA complementation group C; minus strand). Cytogenetic location: 9q22.32.
Variant type: single nucleotide variant.
Coding change: c.425C>A on transcript NM_000136.3 (MANE Select); coding-DNA position 425, C replaced by A.
Protein change: p.Pro142His; replaces proline 142 with histidine.
Molecular consequence: missense variant.
Genome position (GRCh38, 1-based): chr9:95,172,068, G>T on the plus strand (C>A on the coding strand, the complement: FANCC is on the minus strand). VCF-style: chr9-95172068-G-T. GRCh37 (hg19) VCF-style: chr9-97934350-G-T.
Other names: c.425C>A, p.Pro142His (NM_001243743.2, NM_001243744.2); short protein forms P142H.
Identifiers: ClinVar variation 419045 (VCV000419045.9), dbSNP rs1064793605, ClinGen allele CA16618890.
Genomic context (GRCh38, chr9:95,172,068, plus strand): 5'-TTCAAAAGTGATAAATTTTAAATACTCACATTTTTAAGCAAACCAGGATAGTAATCTATA[G>T]GTGCATACCCAAGACCTTGAGTGAAAAGAGCAACTTCTTTATCAAATCTGAGTGCTGAAA-3'
Protein context (NP_000127.2, residues 132-152): ALFTQGLGYA[Pro142His]IDYYPGLLKN